The following is an entry in ClinVar:

NM_001184.4(ATR):c.2158G>A (p.Gly720Ser)

Gene: ATR (ATR checkpoint kinase; minus strand). Cytogenetic location: 3q23.
Variant type: single nucleotide variant.
Coding change: c.2158G>A on transcript NM_001184.4 (MANE Select); coding-DNA position 2158, G replaced by A.
Protein change: p.Gly720Ser; replaces glycine 720 with serine.
Molecular consequence: missense variant.
Genome position (GRCh38, 1-based): chr3:142,556,060, C>T on the plus strand (G>A on the coding strand, the complement: ATR is on the minus strand). VCF-style: chr3-142556060-C-T. GRCh37 (hg19) VCF-style: chr3-142274902-C-T.
Other names: c.1966G>A, p.Gly656Ser (NM_001354579.2); short protein forms G720S, G656S.
Identifiers: ClinVar variation 1476314 (VCV001476314.10), dbSNP rs143633875, ClinGen allele CA2650414.

ClinVar aggregate classification (germline): Uncertain significance. Review status: criteria provided, multiple submitters, no conflicts (2 of 4 stars). 5 submissions from 4 submitters: Uncertain significance (5). Last evaluated 2025-10-18.

Conditions:
ATR-related disorder. Also called: ATR-related condition.
Inborn genetic diseases. Identifiers: MedGen C0950123, MeSH D030342.
Familial cutaneous telangiectasia and oropharyngeal predisposition cancer syndrome. Identifiers: Orphanet 313846, MedGen C3281203, MONDO:0013806, OMIM 614564.
Seckel syndrome 1 (SCKL1). Also called: MICROCEPHALIC PRIMORDIAL DWARFISM I. Identifiers: Orphanet 808, MedGen C4551474, MONDO:0008869, OMIM 210600.

Allele frequency attached by ClinVar (database versions not stated): TOPMed 0.00001; ExAC 0.00002; gnomAD 0.00002; ESP Exome Variant Server 0.00015; gnomAD exomes 0.00001.
gnomAD v4.1: 17 of 1,613,706 alleles (0.0011%); highest among the groups gnomAD compares: Admixed American, 0.0017%; no homozygotes.

Submissions (5):

Labcorp Genetics (formerly Invitae), Labcorp
Classification: Uncertain significance. Last evaluated: 2025-10-18. Review status: criteria provided, single submitter. Criteria: Invitae Variant Classification Sherloc (09022015). Collection method: clinical testing. Allele origin: germline.
Comment: This sequence change replaces glycine, which is neutral and non-polar, with serine, which is neutral and polar, at codon 720 of the ATR protein (p.Gly720Ser). This variant is present in population databases (rs143633875, gnomAD 0.003%). This variant has not been reported in the literature in individuals affected with ATR-related conditions. ClinVar contains an entry for this variant (Variation ID: 1476314). An algorithm developed to predict the effect of missense changes on protein structure and function (PolyPhen-2) suggests that this variant is likely to be tolerated. In summary, the available evidence is currently insufficient to determine the role of this variant in disease. Therefore, it has been classified as a Variant of Uncertain Significance.

PreventionGenetics, part of Exact Sciences
Classification: Uncertain significance for ATR-related condition. Last evaluated: 2025-07-01. Review status: criteria provided, single submitter. Criteria: ACMG Guidelines, 2015. Collection method: clinical testing. Allele origin: germline.
Comment: The ATR c.2158G>A variant is predicted to result in the amino acid substitution p.Gly720Ser. To our knowledge, this variant has not been reported in the literature. This variant is reported in 0.0028% of alleles in individuals of Latino descent in gnomAD. At this time, the clinical significance of this variant is uncertain due to the absence of conclusive functional and genetic evidence.

Genome-Nilou Lab
Classification: Uncertain significance for Seckel syndrome 1. Last evaluated: 2023-02-08. Review status: criteria provided, single submitter. Criteria: ACMG Guidelines, 2015. Collection method: clinical testing. Allele origin: germline.

Genome-Nilou Lab
Classification: Uncertain significance for Familial cutaneous telangiectasia and oropharyngeal predisposition cancer syndrome. Last evaluated: 2023-02-08. Review status: criteria provided, single submitter. Criteria: ACMG Guidelines, 2015. Collection method: clinical testing. Allele origin: germline.

Ambry Genetics
Classification: Uncertain significance for Inborn genetic diseases. Last evaluated: 2021-08-03. Review status: criteria provided, single submitter. Criteria: Ambry Variant Classification Scheme 2023. Collection method: clinical testing. Allele origin: germline.
Comment: The p.G720S variant (also known as c.2158G>A), located in coding exon 10 of the ATR gene, results from a G to A substitution at nucleotide position 2158. The glycine at codon 720 is replaced by serine, an amino acid with similar properties. This amino acid position is conserved. In addition, this alteration is predicted to be tolerated by in silico analysis. Since supporting evidence is limited at this time, the clinical significance of this alteration remains unclear.